The following is an entry in ClinVar:

NM_020774.4(MIB1):c.-46G>A

Genes: MIB1 (MIB E3 ubiquitin protein ligase 1; plus strand), LOC130062254 (ATAC-STARR-seq lymphoblastoid silent region 9344; plus strand). Cytogenetic location: 18q11.2.
Variant type: single nucleotide variant.
Coding change: c.-46G>A on transcript NM_020774.4 (MANE Select); 46 bases upstream of the start codon, G replaced by A.
Molecular consequence: 5 prime UTR variant.
Genome position (GRCh38, 1-based): chr18:21,741,538, G>A. VCF-style: chr18-21741538-G-A. GRCh37 (hg19) VCF-style: chr18-19321499-G-A.
Identifiers: ClinVar variation 506384 (VCV000506384.1), dbSNP rs542215308, ClinGen allele CA8907895.

ClinVar aggregate classification (germline): Benign (1 of 4 stars; one submission).

Allele frequency attached by ClinVar (database versions not stated): gnomAD exomes 0.00033 and 0.00038; gnomAD 0.00299 and 0.00322; TOPMed 0.00336; ExAC 0.00357; 1000 Genomes Project 0.00419.
gnomAD v4.1: 769 of 1,068,976 alleles (0.072%); highest among the groups gnomAD compares: African/African-American, 1.1%; 3 homozygotes.

Submission:

GeneDx
Classification: Benign. Last evaluated: 2017-09-08. Review status: criteria provided, single submitter. Criteria: GeneDx Variant Classification (06012015). Collection method: clinical testing. Allele origin: germline. Affected: yes.
Comment: This variant is considered likely benign or benign based on one or more of the following criteria: it is a conservative change, it occurs at a poorly conserved position in the protein, it is predicted to be benign by multiple in silico algorithms, and/or has population frequency not consistent with disease.